The following is an entry in ClinVar:

ClinVar aggregate classification (germline): Uncertain significance (1 of 4 stars; one submission).

gnomAD v4.1: 1 of 1,550,412 alleles (0.000064%); highest among the groups gnomAD compares: Non-Finnish European, 0.000087%; no homozygotes.

Submission:

Mayo Clinic Laboratories, Mayo Clinic
Classification: Uncertain significance. Last evaluated: 2025-11-14. Review status: criteria provided, single submitter. Criteria: ACMG Guidelines, 2015. Collection method: clinical testing. Allele origin: germline. Observed: 2 variant alleles.
Comment: BP4_moderate, PM2_supporting

NM_001367624.2(ZNF469):c.5179A>C (p.Lys1727Gln)

Gene: ZNF469 (zinc finger protein 469; plus strand). Cytogenetic location: 16q24.2.
Variant type: single nucleotide variant.
Coding change: c.5179A>C on transcript NM_001367624.2 (MANE Select); coding-DNA position 5179, A replaced by C.
Protein change: p.Lys1727Gln; replaces lysine 1727 with glutamine.
Molecular consequence: missense variant.
Genome position (GRCh38, 1-based): chr16:88,432,649, A>C. VCF-style: chr16-88432649-A-C. GRCh37 (hg19) VCF-style: chr16-88499057-A-C.
Other names: p.Lys1727Gln; short protein forms K1727Q.
Identifiers: ClinVar variation 4542066 (VCV004542066.1).